The following is an entry in ClinVar:

ClinVar aggregate classification (germline): Uncertain significance. Review status: criteria provided, multiple submitters, no conflicts (2 of 4 stars). 2 submissions from 2 submitters: Uncertain significance (2). Last evaluated 2026-04-29.

Conditions:
Hereditary cancer-predisposing syndrome. Also called: Hereditary neoplastic syndrome; Neoplastic Syndromes, Hereditary; Tumor predisposition; Hereditary Cancer Syndrome. Identifiers: Orphanet 140162, MedGen C0027672, MeSH D009386, MONDO:0015356.
Multiple endocrine neoplasia, type 1 (MEN1). Also called: MEA I; MEN I; WERMER SYNDROME; Endocrine adenomatosis multiple; MEN 1. Identifiers: Orphanet 652, MedGen C0025267, MeSH D018761, MONDO:0007540, OMIM 131100.

Submissions (2):

Ambry Genetics
Classification: Uncertain significance for Hereditary cancer-predisposing syndrome. Last evaluated: 2026-04-29. Review status: criteria provided, single submitter. Criteria: Ambry Variant Classification Scheme 2023. Collection method: clinical testing. Allele origin: germline.
Comment: The p.L301P variant (also known as c.902T>C), located in coding exon 5 of the MEN1 gene, results from a T to C substitution at nucleotide position 902. The leucine at codon 301 is replaced by proline, an amino acid with similar properties. This amino acid position is conserved. In addition, this alteration is predicted to be deleterious by in silico analysis. Based on the available evidence, the clinical significance of this variant remains unclear.

Labcorp Genetics (formerly Invitae), Labcorp
Classification: Uncertain significance for Multiple endocrine neoplasia, type 1. Last evaluated: 2020-10-06. Review status: criteria provided, single submitter. Criteria: Invitae Variant Classification Sherloc (09022015). Collection method: clinical testing. Allele origin: germline.
Comment: This variant is not present in population databases (ExAC no frequency). This sequence change replaces leucine with proline at codon 301 of the MEN1 protein (p.Leu301Pro). The leucine residue is moderately conserved and there is a moderate physicochemical difference between leucine and proline. This variant has not been reported in the literature in individuals with MEN1-related conditions. Advanced modeling of protein sequence and biophysical properties (such as structural, functional, and spatial information, amino acid conservation, physicochemical variation, residue mobility, and thermodynamic stability) performed at Invitae indicates that this missense variant is expected to disrupt MEN1 protein function. In summary, the available evidence is currently insufficient to determine the role of this variant in disease. Therefore, it has been classified as a Variant of Uncertain Significance.

NM_001370259.2(MEN1):c.902T>C (p.Leu301Pro)

Gene: MEN1 (menin 1; minus strand). Cytogenetic location: 11q13.1.
Variant type: single nucleotide variant.
Coding change: c.902T>C on transcript NM_001370259.2 (MANE Select); coding-DNA position 902, T replaced by C.
Protein change: p.Leu301Pro; replaces leucine 301 with proline.
Molecular consequence: missense variant.
Genome position (GRCh38, 1-based): chr11:64,807,021, A>G on the plus strand (T>C on the coding strand, the complement: MEN1 is on the minus strand). VCF-style: chr11-64807021-A-G. GRCh37 (hg19) VCF-style: chr11-64574493-A-G.
Other names: c.917T>C, p.Leu306Pro (NM_000244.4, NM_130800.3, NM_130801.3 and 3 more transcripts); c.902T>C, p.Leu301Pro (NM_001370251.2, NM_001370260.2, NM_001370261.2 and 1 more transcripts); c.797T>C, p.Leu266Pro (NM_001370262.2, NM_001370263.2); c.902T>C (NM_130799.2); short protein forms L266P, L301P, L306P.
Identifiers: ClinVar variation 1052529 (VCV001052529.11), dbSNP rs2136127925, ClinGen allele CA381183499.
Genomic context (GRCh38, chr11:64,807,021, plus strand): 5'-CTCAGCCACTGTTAGGGTCTCCCTTCTGCACCCTCCTTAGATGCCCCCACCTTGTGGTAG[A>G]GGGTGAGTGGGTCTGGCCGGCCAGGGGTGGGCTCCAGCTCCTCTAGATCTGCCAGGTTCC-3'
Protein context (NP_001357188.2, residues 291-311): PTPGRPDPLT[Leu301Pro]YHKGIASAKT